The following is an entry in ClinVar:

ClinVar aggregate classification (germline): Uncertain significance. Review status: criteria provided, multiple submitters, no conflicts (2 of 4 stars). 5 submissions from 5 submitters: Uncertain significance (5). Last evaluated 2026-01-19.

Conditions:
Proline dehydrogenase deficiency (HYRPRO1). Also called: Hyperprolinemia type 1; PROLINE OXIDASE DEFICIENCY. Identifiers: Orphanet 419, MedGen C0268529, MONDO:0009400, OMIM 239500.
Schizophrenia 4 (SCZD4). Also called: SCHIZOPHRENIA, SUSCEPTIBILITY TO, 4; SCHIZOPHRENIA SUSCEPTIBILITY LOCUS, CHROMOSOME 22q11-RELATED. Identifiers: MedGen C1833247, MONDO:0010943, OMIM 600850.
Inborn genetic diseases. Identifiers: MedGen C0950123, MeSH D030342.

Allele frequency attached by ClinVar (database versions not stated): ESP Exome Variant Server 0.00015; ExAC 0.00017; gnomAD exomes 0.00029; 1000 Genomes Project 0.00040.

Submissions (5):

Labcorp Genetics (formerly Invitae), Labcorp
Classification: Uncertain significance for Proline dehydrogenase deficiency. Last evaluated: 2026-01-19. Review status: criteria provided, single submitter. Criteria: Invitae Variant Classification Sherloc (09022015). Collection method: clinical testing. Allele origin: germline.
Comment: This sequence change replaces glycine, which is neutral and non-polar, with aspartic acid, which is acidic and polar, at codon 193 of the PRODH protein (p.Gly193Asp). This variant is present in population databases (rs199907923, gnomAD 0.1%). This variant has not been reported in the literature in individuals affected with PRODH-related conditions. ClinVar contains an entry for this variant (Variation ID: 1061159). Invitae Evidence Modeling of protein sequence and biophysical properties (such as structural, functional, and spatial information, amino acid conservation, physicochemical variation, residue mobility, and thermodynamic stability) indicates that this missense variant is not expected to disrupt PRODH protein function with a negative predictive value of 80%. In summary, the available evidence is currently insufficient to determine the role of this variant in disease. Therefore, it has been classified as a Variant of Uncertain Significance.

Blueprint Genetics
Classification: Uncertain significance. Last evaluated: 2024-08-21. Review status: criteria provided, single submitter. Criteria: ACMG Guidelines, 2015. Collection method: clinical testing. Allele origin: germline.

Fulgent Genetics
Classification: Uncertain significance for Proline dehydrogenase deficiency; Schizophrenia 4. Last evaluated: 2024-06-04. Review status: criteria provided, single submitter. Criteria: ACMG Guidelines, 2015. Collection method: clinical testing. Allele origin: germline.

Ambry Genetics
Classification: Uncertain significance for Inborn genetic diseases. Last evaluated: 2021-12-07. Review status: criteria provided, single submitter. Criteria: Ambry Variant Classification Scheme 2023. Collection method: clinical testing. Allele origin: germline.

Revvity Omics, Revvity
Classification: Uncertain significance for Proline dehydrogenase deficiency. Last evaluated: 2021-03-02. Review status: criteria provided, single submitter. Criteria: ACMG Guidelines, 2015. Collection method: clinical testing. Allele origin: germline.

NM_016335.6(PRODH):c.578G>A (p.Gly193Asp)

Gene: PRODH (proline dehydrogenase 1; minus strand). Cytogenetic location: 22q11.21.
Variant type: single nucleotide variant.
Coding change: c.578G>A on transcript NM_016335.6 (MANE Select); coding-DNA position 578, G replaced by A.
Protein change: p.Gly193Asp; replaces glycine 193 with aspartic acid.
Molecular consequence: missense variant.
Genome position (GRCh38, 1-based): chr22:18,925,140, C>T on the plus strand (G>A on the coding strand, the complement: PRODH is on the minus strand). VCF-style: chr22-18925140-C-T. GRCh37 (hg19) VCF-style: chr22-18912653-C-T.
Other names: c.254G>A, p.Gly85Asp (NM_001195226.2); c.578G>A (NM_016335.4, NM_016335.5); short protein forms G193D, G85D.
Identifiers: ClinVar variation 1061159 (VCV001061159.14), dbSNP rs199907923, ClinGen allele CA10095341.